The following is an entry in ClinVar:

ClinVar aggregate classification (germline): Uncertain significance (1 of 4 stars; one submission).

Submission:

Labcorp Genetics (formerly Invitae), Labcorp
Classification: Uncertain significance. Last evaluated: 2021-09-07. Review status: criteria provided, single submitter. Criteria: Invitae Variant Classification Sherloc (09022015). Collection method: clinical testing. Allele origin: germline.
Comment: This sequence change replaces alanine with proline at codon 124 of the FH protein (p.Ala124Pro). The alanine residue is highly conserved and there is a small physicochemical difference between alanine and proline. This variant is not present in population databases (ExAC no frequency). This variant has not been reported in the literature in individuals affected with FH-related conditions. Advanced modeling of protein sequence and biophysical properties (such as structural, functional, and spatial information, amino acid conservation, physicochemical variation, residue mobility, and thermodynamic stability) performed at Invitae indicates that this missense variant is expected to disrupt FH protein function. In summary, the available evidence is currently insufficient to determine the role of this variant in disease. Therefore, it has been classified as a Variant of Uncertain Significance.

NM_000143.4(FH):c.370G>C (p.Ala124Pro)

Gene: FH (fumarate hydratase; minus strand). Cytogenetic location: 1q43.
Variant type: single nucleotide variant.
Coding change: c.370G>C on transcript NM_000143.4 (MANE Select); coding-DNA position 370, G replaced by C.
Protein change: p.Ala124Pro; replaces alanine 124 with proline.
Molecular consequence: missense variant.
Genome position (GRCh38, 1-based): chr1:241,513,611, C>G on the plus strand (G>C on the coding strand, the complement: FH is on the minus strand). VCF-style: chr1-241513611-C-G. GRCh37 (hg19) VCF-style: chr1-241676911-C-G.
Other names: short protein forms A124P.
Identifiers: ClinVar variation 1489038 (VCV001489038.6), dbSNP rs1660143983, ClinGen allele CA345440448.
Genomic context (GRCh38, chr1:241,513,611, plus strand): 5'-GAGTATGGCATGGGTCTGAGGTTATTAAGCAAACACACTTATCACCTCCTACCTCATCTG[C>G]TGCCTTCATTATTGCATTAGCAATCTTTGGATCAAGACCATAATCCTGGTTTACTTCAGC-3'
Protein context (NP_000134.2, residues 114-134): PKIANAIMKA[Ala124Pro]DEVAEGKLND